The following is an entry in ClinVar:

NM_139242.4(MTFMT):c.419+5G>C

Gene: MTFMT (mitochondrial methionyl-tRNA formyltransferase; minus strand). Cytogenetic location: 15q22.31.
Variant type: single nucleotide variant.
Coding change: c.419+5G>C on transcript NM_139242.4 (MANE Select); 5 bases into the intron after coding-DNA position 419, G replaced by C.
Molecular consequence: intron variant.
Genome position (GRCh38, 1-based): chr15:65,026,826, C>G on the plus strand (G>C on the coding strand, the complement: MTFMT is on the minus strand). VCF-style: chr15-65026826-C-G. GRCh37 (hg19) VCF-style: chr15-65319164-C-G.
Identifiers: ClinVar variation 4531509 (VCV004531509.1).

ClinVar aggregate classification (germline): Uncertain significance (1 of 4 stars; one submission).

Conditions:
Leigh syndrome (NULS). Also called: Leigh's necrotizing encephalopathy; Leigh's disease; Leigh Syndrome (mtDNA deletion); Leigh's syndrome; Leigh Disease; Subacute necrotizing encephalopathy. Identifiers: Orphanet 506, MedGen C2931891, MONDO:0009723, OMIM 256000.

Submission:

Victorian Clinical Genetics Services, Murdoch Childrens Research Institute
Classification: Uncertain significance for Leigh syndrome. Last evaluated: 2025-02-20. Review status: criteria provided, single submitter. Criteria: ACMG Guidelines, 2015. Collection method: clinical testing. Allele origin: germline.
Comment: This variant is classified as VUS-3A. Evidence in support of pathogenic classification: Non-canonical splice site variant without proven consequence on splicing (no functional evidence available); Variant is absent from gnomAD (v2, v3 and v4); Abnormal splicing is predicted by in silico tool and affected nucleotide is highly conserved. Additional information: This variant is heterozygous; This gene is associated with autosomal recessive disease; This variant has no previous evidence of pathogenicity; No published segregation evidence has been identified for this variant; No published functional evidence has been identified for this variant; No comparable splice variants have previous evidence for pathogenicity; Loss of function is a known mechanism of disease in this gene and is associated with combined oxidative phosphorylation deficiency 15 (MIM#614947) and mitochondrial complex I deficiency, nuclear type 27 (MIM#618248).